The following is an entry in ClinVar:

NM_033400.3(ZFHX2):c.1362G>A (p.Lys454=)

Genes: ZFHX2 (zinc finger homeobox 2; minus strand), THTPA (thiamine triphosphatase; plus strand). Cytogenetic location: 14q11.2.
Variant type: single nucleotide variant.
Coding change: c.1362G>A on transcript NM_033400.3 (MANE Select); coding-DNA position 1362, G replaced by A.
Protein change: p.Lys454=; no amino-acid change (lysine 454 retained).
Molecular consequence: synonymous variant.
Genome position (GRCh38, 1-based): chr14:23,533,964, C>T on the plus strand (G>A on the coding strand, the complement: ZFHX2 is on the minus strand). VCF-style: chr14-23533964-C-T. GRCh37 (hg19) VCF-style: chr14-24003173-C-T.
Identifiers: ClinVar variation 3771605 (VCV003771605.13).
Genomic context (GRCh38, chr14:23,533,964, plus strand): 5'-CTCTCGCATGTGCACATCCAGGGTCTGCTGGTACTTGTAGTGCCAGTTGCACTTGGGACA[C>T]TTGAGTGTCTTGCAGGAGTTGCGTGAGTGGAGCAGGGACATGTGGCTGGACAGGCTGAGG-3'
Protein context (NP_207646.2, residues 444-464): LHSRNSCKTL[Lys454=]CPKCNWHYKY

ClinVar aggregate classification (germline): Likely benign (1 of 4 stars; one submission).

gnomAD v4.1: 82 of 1,537,654 alleles (0.0053%); highest among the groups gnomAD compares: Non-Finnish European, 0.0064%; no homozygotes.

Submission:

CeGaT Center for Human Genetics Tuebingen
Classification: Likely benign. Last evaluated: 2025-01-01. Review status: criteria provided, single submitter. Criteria: CeGaT Center For Human Genetics Tuebingen Variant Classification Criteria Version 2. Collection method: clinical testing. Allele origin: germline. Affected: yes. Observed: 1 variant allele.
Comment: ZFHX2: BP4, BP7